The following is an entry in ClinVar:

NM_001142800.2(EYS):c.4776_4779del (p.Ile1592fs)

Gene: EYS (EGF-like photoreceptor maintenance factor; minus strand). Cytogenetic location: 6q12.
Variant type: Deletion.
Coding change: c.4776_4779del on transcript NM_001142800.2 (MANE Select); coding-DNA positions 4776 to 4779, 4 bases deleted (ATTA; older notation c.4776_4779delATTA).
Protein change: p.Ile1592fs; shifts the reading frame from isoleucine 1592.
Molecular consequence: frameshift variant.
Genome position (GRCh38, 1-based): chr6:64,591,088-64,591,091, TAAT deleted on the plus strand (ATTA on the coding strand, the reverse complement: EYS is on the minus strand). VCF-style (leftmost placement, unchanged base first): chr6-64591087-CTAAT-C. GRCh37 (hg19) VCF-style: chr6-65300980-CTAAT-C.
Other names: c.4776_4779del, p.Ile1592fs (NM_001292009.2); short protein forms I1592fs.
Identifiers: ClinVar variation 1934439 (VCV001934439.5), dbSNP rs2533152129, ClinGen allele CA2580075886.
Genomic context (GRCh38, chr6:64,591,087, plus strand): 5'-CAGAAGAAAATGAATGCCCAGAAGTGATAGTTTGAGCTCCCATTAGTGCATACCAGCTGG[CTAAT>C]ATCGCTGAGTTCATCCAGAATGTCTCATAAAAGTGGGACTGTTTGCTATGCAAAACTTGA-3'

ClinVar aggregate classification (germline): Pathogenic (1 of 4 stars; one submission).

Submission:

Labcorp Genetics (formerly Invitae), Labcorp
Classification: Pathogenic. Last evaluated: 2022-09-06. Review status: criteria provided, single submitter. Criteria: Invitae Variant Classification Sherloc (09022015). Collection method: clinical testing. Allele origin: germline.
Comment: This variant has not been reported in the literature in individuals affected with EYS-related conditions. For these reasons, this variant has been classified as Pathogenic. This variant is not present in population databases (gnomAD no frequency). This sequence change creates a premature translational stop signal (p.Ile1592Metfs*7) in the EYS gene. It is expected to result in an absent or disrupted protein product. Loss-of-function variants in EYS are known to be pathogenic (PMID: 18836446, 20333770).

Literature cited by the submitters: PubMed 18836446; PubMed 20333770.